The following is an entry in ClinVar:

ClinVar aggregate classification (germline): Uncertain significance (1 of 4 stars; one submission).

Conditions:
Cardiovascular phenotype. Identifiers: MedGen CN230736.

gnomAD v4.1: 9 of 1,529,220 alleles (0.00059%); highest among the groups gnomAD compares: Non-Finnish European, 0.00079%; no homozygotes.

Submission:

Ambry Genetics
Classification: Uncertain significance for Cardiovascular phenotype. Last evaluated: 2025-07-13. Review status: criteria provided, single submitter. Criteria: Ambry Variant Classification Scheme 2023. Collection method: clinical testing. Allele origin: germline.
Comment: The p.S418G variant (also known as c.1252A>G), located in coding exon 19 of the TRDN gene, results from an A to G substitution at nucleotide position 1252. The serine at codon 418 is replaced by glycine, an amino acid with similar properties. This amino acid position is conserved. In addition, this alteration is predicted to be tolerated by in silico analysis. Based on the available evidence, the clinical significance of this variant remains unclear.

NM_006073.4(TRDN):c.1252A>G (p.Ser418Gly)

Gene: TRDN (triadin; minus strand). Cytogenetic location: 6q22.31.
Variant type: single nucleotide variant.
Coding change: c.1252A>G on transcript NM_006073.4 (MANE Select); coding-DNA position 1252, A replaced by G.
Protein change: p.Ser418Gly; replaces serine 418 with glycine.
Molecular consequence: missense variant.
Genome position (GRCh38, 1-based): chr6:123,375,626, T>C on the plus strand (A>G on the coding strand, the complement: TRDN is on the minus strand). VCF-style: chr6-123375626-T-C. GRCh37 (hg19) VCF-style: chr6-123696771-T-C.
Other names: c.1255A>G, p.Ser419Gly (NM_001251987.2); c.1195A>G, p.Ser399Gly (NM_001407315.1); short protein forms S418G, S419G, S399G.
Identifiers: ClinVar variation 4190189 (VCV004190189.1).